The following is an entry in ClinVar:

NM_001370259.2(MEN1):c.846C>A (p.Asn282Lys)

Gene: MEN1 (menin 1; minus strand). Cytogenetic location: 11q13.1.
Variant type: single nucleotide variant.
Coding change: c.846C>A on transcript NM_001370259.2 (MANE Select); coding-DNA position 846, C replaced by A.
Protein change: p.Asn282Lys; replaces asparagine 282 with lysine.
Molecular consequence: missense variant. On other transcripts: non-coding transcript variant (4).
Genome position (GRCh38, 1-based): chr11:64,807,077, G>T on the plus strand (C>A on the coding strand, the complement: MEN1 is on the minus strand). VCF-style: chr11-64807077-G-T. GRCh37 (hg19) VCF-style: chr11-64574549-G-T.
Other names: c.861C>A, p.Asn287Lys (NM_000244.4, NM_001407145.1, NM_001407150.1 and 5 more transcripts); c.846C>A, p.Asn282Lys (NM_001370251.2, NM_001370260.2, NM_001370261.2 and 7 more transcripts); c.741C>A, p.Asn247Lys (NM_001370262.2, NM_001370263.2, NM_001407148.1 and 2 more transcripts); short protein forms N247K, N282K, N287K.
Identifiers: ClinVar variation 4800423 (VCV004800423.1).
Genomic context (GRCh38, chr11:64,807,077, plus strand): 5'-GTAGAGGGTGAGTGGGTCTGGCCGGCCAGGGGTGGGCTCCAGCTCCTCTAGATCTGCCAG[G>T]TTCCCTAAGGCCATGGGGTACCTAGGAAAGGATCATAATTCAGGCTGCCACCCAGCCCCC-3'
Protein context (NP_001357188.2, residues 272-292): HLERYPMALG[Asn282Lys]LADLEELEPT

ClinVar aggregate classification (germline): Uncertain significance (1 of 4 stars; one submission).

Conditions:
Multiple endocrine neoplasia, type 1 (MEN1). Also called: MEA I; MEN I; WERMER SYNDROME; Endocrine adenomatosis multiple; MEN 1. Identifiers: Orphanet 652, MedGen C0025267, MeSH D018761, MONDO:0007540, OMIM 131100.

Submission:

Labcorp Genetics (formerly Invitae), Labcorp
Classification: Uncertain significance for Multiple endocrine neoplasia, type 1. Last evaluated: 2025-05-11. Review status: criteria provided, single submitter. Criteria: Invitae Variant Classification Sherloc (09022015). Collection method: clinical testing. Allele origin: germline.
Comment: This sequence change replaces asparagine, which is neutral and polar, with lysine, which is basic and polar, at codon 282 of the MEN1 protein (p.Asn282Lys). This variant is not present in population databases (gnomAD no frequency). This variant has not been reported in the literature in individuals affected with MEN1-related conditions. Invitae Evidence Modeling of protein sequence and biophysical properties (such as structural, functional, and spatial information, amino acid conservation, physicochemical variation, residue mobility, and thermodynamic stability) indicates that this missense variant is expected to disrupt MEN1 protein function with a positive predictive value of 95%. In summary, the available evidence is currently insufficient to determine the role of this variant in disease. Therefore, it has been classified as a Variant of Uncertain Significance.